The following is an entry in ClinVar:

NM_000023.4(SGCA):c.585-8G>A

Gene: SGCA (sarcoglycan alpha; plus strand). Cytogenetic location: 17q21.33.
Variant type: single nucleotide variant.
Coding change: c.585-8G>A on transcript NM_000023.4 (MANE Select); 8 bases into the intron before coding-DNA position 585, G replaced by A.
Molecular consequence: intron variant.
Genome position (GRCh38, 1-based): chr17:50,169,084, G>A. VCF-style: chr17-50169084-G-A. GRCh37 (hg19) VCF-style: chr17-48246445-G-A.
Other names: c.584+512G>A (NM_001135697.3).
Identifiers: ClinVar variation 596258 (VCV000596258.6), dbSNP rs1567741108, ClinGen allele CA913190982.
Genomic context (GRCh38, chr17:50,169,084, plus strand): 5'-CCCTGGCAGAGTGGTGCCTCGTGCCCCCTGCCCCCACTCTGCTGACAGTGACTTCTATCT[G>A]GTCCCAGGGTATACATTAAGGTGGGTTCTGCCTCACCTTTTTCTACTTGCCTGAAGATGG-3'

ClinVar aggregate classification (germline): Uncertain significance. Review status: criteria provided, multiple submitters, no conflicts (2 of 4 stars). 2 submissions from 2 submitters: Uncertain significance (2). Last evaluated 2025-09-19.

Conditions:
Autosomal recessive limb-girdle muscular dystrophy type 2D (LGMDR3). Also called: MUSCULAR DYSTROPHY, LIMB-GIRDLE, AUTOSOMAL RECESSIVE 3; ADHALINOPATHY, PRIMARY; DUCHENNE-LIKE AUTOSOMAL RECESSIVE MUSCULAR DYSTROPHY, TYPE 2. Identifiers: Orphanet 62, MedGen C2936332, MONDO:0011968, OMIM 608099. Disease mechanism: Affects gamma-sarcoglycan and also disrupts the integrity of the entire sarcoglycan complex..

Submissions (2):

Labcorp Genetics (formerly Invitae), Labcorp
Classification: Uncertain significance for Autosomal recessive limb-girdle muscular dystrophy type 2D. Last evaluated: 2025-09-19. Review status: criteria provided, single submitter. Criteria: Invitae Variant Classification Sherloc (09022015). Collection method: clinical testing. Allele origin: germline.
Comment: This sequence change falls in intron 5 of the SGCA gene. It does not directly change the encoded amino acid sequence of the SGCA protein. This variant is not present in population databases (gnomAD no frequency). This variant has not been reported in the literature in individuals affected with SGCA-related conditions. ClinVar contains an entry for this variant (Variation ID: 596258). Algorithms developed to predict the effect of sequence changes on RNA splicing suggest that this variant may disrupt the consensus splice site. In summary, the available evidence is currently insufficient to determine the role of this variant in disease. Therefore, it has been classified as a Variant of Uncertain Significance.

Eurofins Ntd Llc (ga)
Classification: Uncertain significance. Last evaluated: 2018-02-28. Review status: criteria provided, single submitter. Criteria: EGL ClinVar v180209 classification definitions. Collection method: clinical testing. Allele origin: germline. Observed: 1 variant allele, 1 heterozygote.